The following is an entry in ClinVar:

ClinVar aggregate classification (germline): Uncertain significance (1 of 4 stars; one submission).

Conditions:
Malignant hyperthermia, susceptibility to, 5 (MHS5). Also called: CACNA1S-Related Malignant Hyperthermia Susceptibility. Identifiers: Orphanet 423, MedGen C1866077, MONDO:0011163, OMIM 601887.
Hypokalemic periodic paralysis, type 1. Also called: Hypokalemic Periodic Paralysis Type 1 (AD); HypoPP. Identifiers: Orphanet 681, MedGen C3714580, MONDO:0042979, OMIM 170400.

Submission:

Labcorp Genetics (formerly Invitae), Labcorp
Classification: Uncertain significance for Hypokalemic periodic paralysis, type 1; Malignant hyperthermia, susceptibility to, 5. Last evaluated: 2025-01-08. Review status: criteria provided, single submitter. Criteria: Invitae Variant Classification Sherloc (09022015). Collection method: clinical testing. Allele origin: germline.
Comment: This sequence change replaces glutamine, which is neutral and polar, with histidine, which is basic and polar, at codon 1090 of the CACNA1S protein (p.Gln1090His). This variant is not present in population databases (gnomAD no frequency). This variant has not been reported in the literature in individuals affected with CACNA1S-related conditions. Invitae Evidence Modeling of protein sequence and biophysical properties (such as structural, functional, and spatial information, amino acid conservation, physicochemical variation, residue mobility, and thermodynamic stability) indicates that this missense variant is not expected to disrupt CACNA1S protein function with a negative predictive value of 95%. In summary, the available evidence is currently insufficient to determine the role of this variant in disease. Therefore, it has been classified as a Variant of Uncertain Significance.

NM_000069.3(CACNA1S):c.3270G>T (p.Gln1090His)

Gene: CACNA1S (calcium voltage-gated channel subunit alpha1 S; minus strand). Cytogenetic location: 1q32.1.
Variant type: single nucleotide variant.
Coding change: c.3270G>T on transcript NM_000069.3 (MANE Select); coding-DNA position 3270, G replaced by T.
Protein change: p.Gln1090His; replaces glutamine 1090 with histidine.
Molecular consequence: missense variant.
Genome position (GRCh38, 1-based): chr1:201,060,802, C>A on the plus strand (G>T on the coding strand, the complement: CACNA1S is on the minus strand). VCF-style: chr1-201060802-C-A. GRCh37 (hg19) VCF-style: chr1-201029930-C-A.
Other names: short protein forms Q1090H.
Identifiers: ClinVar variation 3749156 (VCV003749156.2).